The following is an entry in ClinVar:

ClinVar aggregate classification (germline): Uncertain significance. Review status: criteria provided, multiple submitters, no conflicts (2 of 4 stars). 2 submissions from 2 submitters: Uncertain significance (2). Last evaluated 2025-11-20.

Conditions:
Aortic aneurysm, familial thoracic 7 (AAT7). Also called: AORTIC DISSECTION, FAMILIAL, WITH OR WITHOUT AORTIC ANEURYSM. Identifiers: MedGen C3151077, MONDO:0013418, OMIM 613780.

Submissions (2):

Labcorp Genetics (formerly Invitae), Labcorp
Classification: Uncertain significance for Aortic aneurysm, familial thoracic 7. Last evaluated: 2025-11-20. Review status: criteria provided, single submitter. Criteria: Invitae Variant Classification Sherloc (09022015). Collection method: clinical testing. Allele origin: germline.
Comment: This variant, c.3166_3167insCTGAGACCCTGAAGCCAATGGGCAACGCCAAGCCTG, results in the insertion of 12 amino acid(s) of the MYLK protein (p.Ala1044_Pro1055dup), but otherwise preserves the integrity of the reading frame. This variant is not present in population databases (gnomAD no frequency). This variant has not been reported in the literature in individuals affected with MYLK-related conditions. ClinVar contains an entry for this variant (Variation ID: 1320490). In summary, the available evidence is currently insufficient to determine the role of this variant in disease. Therefore, it has been classified as a Variant of Uncertain Significance.

GeneDx
Classification: Uncertain significance. Last evaluated: 2019-06-13. Review status: criteria provided, single submitter. Criteria: GeneDx Variant Classification Process June 2021. Collection method: clinical testing. Allele origin: germline. Affected: yes.
Comment: Has not been previously published as pathogenic or benign to our knowledge; In-frame duplication of 12 amino acids in a repetitive region; Not observed in large population cohorts; however, similar duplications and deletions in this repeat region have been identified (Lek et al., 2016)

NM_053025.4(MYLK):c.3166_3167insCTGAGACCCTGAAGCCAATGGGCAACGCCAAGCCTG (p.1032AETLKPMGNAKP[3])

Gene: MYLK (myosin light chain kinase; minus strand). Cytogenetic location: 3q21.1.
Variant type: Insertion.
Coding change: c.3166_3167insCTGAGACCCTGAAGCCAATGGGCAACGCCAAGCCTG on transcript NM_053025.4 (MANE Select); coding-DNA positions 3166 to 3167, CTGAGACCCTGAAGCCAATGGGCAACGCCAAGCCTG inserted.
Protein change: p.1032AETLKPMGNAKP[3].
Molecular consequence: inframe insertion.
Genome position: GRCh38: chr3:123,700,311-123,700,312. GRCh37 (hg19): chr3:123,419,158-123,419,159.
Other names: c.2638_2639insCTGAGACCCTGAAGCCAATGGGCAACGCCAAGCCTG, p.856AETLKPMGNAKP[3] (NM_001321309.2); c.2959_2960insCTGAGACCCTGAAGCCAATGGGCAACGCCAAGCCTG, p.963AETLKPMGNAKP[3] (NM_053026.4, NM_053028.4); c.3166_3167insCTGAGACCCTGAAGCCAATGGGCAACGCCAAGCCTG, p.1032AETLKPMGNAKP[3] (NM_053027.4).
Identifiers: ClinVar variation 1320490 (VCV001320490.3), dbSNP rs2108578930, ClinGen allele CA2573052063.